The following is an entry in ClinVar:

NM_001256789.3(CACNA1F):c.3317T>C (p.Phe1106Ser)

Gene: CACNA1F (calcium voltage-gated channel subunit alpha1 F; minus strand). Cytogenetic location: Xp11.23.
Variant type: single nucleotide variant.
Coding change: c.3317T>C on transcript NM_001256789.3 (MANE Select); coding-DNA position 3317, T replaced by C.
Protein change: p.Phe1106Ser; replaces phenylalanine 1106 with serine.
Molecular consequence: missense variant.
Genome position (GRCh38, 1-based): chrX:49,215,463, A>G on the plus strand (T>C on the coding strand, the complement: CACNA1F is on the minus strand). VCF-style: chrX-49215463-A-G. GRCh37 (hg19) VCF-style: chrX-49071923-A-G.
Other names: c.3155T>C, p.Phe1052Ser (NM_001256790.3); c.3350T>C, p.Phe1117Ser (NM_005183.4); short protein forms F1052S, F1106S, F1117S.
Identifiers: ClinVar variation 1015344 (VCV001015344.9), dbSNP rs1557107176, ClinGen allele CA412963660.
Genomic context (GRCh38, chrX:49,215,463, plus strand): 5'-ATGACGAAGCCCACGAAGATGTTCATCATGAAGAACGCAATGATGATGATGTAGACAATG[A>G]AGAACACTGAGATCTCCACACGGTAATTATAGATGGGGCCGTGGTCCTCTGCATATGCAT-3'
Protein context (NP_001243718.1, residues 1096-1116): YNYRVEISVF[Phe1106Ser]IVYIIIIAFF

ClinVar aggregate classification (germline): Uncertain significance (1 of 4 stars; one submission).

Submission:

Labcorp Genetics (formerly Invitae), Labcorp
Classification: Uncertain significance. Last evaluated: 2023-11-27. Review status: criteria provided, single submitter. Criteria: Invitae Variant Classification Sherloc (09022015). Collection method: clinical testing. Allele origin: germline.
Comment: This sequence change replaces phenylalanine, which is neutral and non-polar, with serine, which is neutral and polar, at codon 1117 of the CACNA1F protein (p.Phe1117Ser). The frequency data for this variant in the population databases is considered unreliable, as metrics indicate poor data quality at this position in the gnomAD database. This variant has not been reported in the literature in individuals affected with CACNA1F-related conditions. ClinVar contains an entry for this variant (Variation ID: 1015344). Advanced modeling of protein sequence and biophysical properties (such as structural, functional, and spatial information, amino acid conservation, physicochemical variation, residue mobility, and thermodynamic stability) performed at Invitae indicates that this missense variant is expected to disrupt CACNA1F protein function with a positive predictive value of 80%. In summary, the available evidence is currently insufficient to determine the role of this variant in disease. Therefore, it has been classified as a Variant of Uncertain Significance.